The following is an entry in ClinVar:

NM_006766.5(KAT6A):c.293A>C (p.Asp98Ala)

Gene: KAT6A (lysine acetyltransferase 6A; minus strand). Cytogenetic location: 8p11.21.
Variant type: single nucleotide variant.
Coding change: c.293A>C on transcript NM_006766.5 (MANE Select); coding-DNA position 293, A replaced by C.
Protein change: p.Asp98Ala; replaces aspartic acid 98 with alanine.
Molecular consequence: missense variant.
Genome position (GRCh38, 1-based): chr8:42,048,685, T>G on the plus strand (A>C on the coding strand, the complement: KAT6A is on the minus strand). VCF-style: chr8-42048685-T-G. GRCh37 (hg19) VCF-style: chr8-41906203-T-G.
Other names: c.293A>C, p.Asp98Ala (NM_001305878.2); short protein forms D98A.
Identifiers: ClinVar variation 3343427 (VCV003343427.1).

ClinVar aggregate classification (germline): Uncertain significance (1 of 4 stars; one submission).

Submission:

GeneDx
Classification: Uncertain significance. Last evaluated: 2023-05-10. Review status: criteria provided, single submitter. Criteria: GeneDx Variant Classification Process June 2021. Collection method: clinical testing. Allele origin: germline. Affected: yes.
Comment: Not observed at significant frequency in large population cohorts (gnomAD); In silico analysis supports that this missense variant has a deleterious effect on protein structure/function; Has not been previously published as pathogenic or benign to our knowledge